The following is an entry in ClinVar:

NM_001256789.3(CACNA1F):c.4051C>T (p.Arg1351Ter)

Gene: CACNA1F (calcium voltage-gated channel subunit alpha1 F; minus strand). Cytogenetic location: Xp11.23.
Variant type: single nucleotide variant.
Coding change: c.4051C>T on transcript NM_001256789.3 (MANE Select); coding-DNA position 4051, C replaced by T.
Protein change: p.Arg1351Ter; replaces arginine 1351 with a stop codon.
Molecular consequence: nonsense.
Genome position (GRCh38, 1-based): chrX:49,211,947, G>A on the plus strand (C>T on the coding strand, the complement: CACNA1F is on the minus strand). VCF-style: chrX-49211947-G-A. GRCh37 (hg19) VCF-style: chrX-49068407-G-A.
Other names: c.4084C>T (NM_005183.2); c.3889C>T, p.Arg1297Ter (NM_001256790.3); c.4084C>T, p.Arg1362Ter (NM_005183.4); short protein forms R1297*, R1362*, R1351*.
Identifiers: ClinVar variation 812245 (VCV000812245.13), dbSNP rs782740998, ClinGen allele CA10410278.

ClinVar aggregate classification (germline): Pathogenic. Review status: criteria provided, multiple submitters, no conflicts (2 of 4 stars). 6 submissions from 6 submitters: Pathogenic (5). 1 of the submissions does not count toward it. Last evaluated 2025-07-15.

Conditions:
X-linked cone-rod dystrophy 3 (CORDX3). Identifiers: Orphanet 1872, MedGen C1845407, MONDO:0010335, OMIM 300476.
CACNA1F-related disorder. Also called: CACNA1F-related condition.
Congenital stationary night blindness. Also called: Early-onset non-progressive night blindness. Identifiers: Orphanet 215, MedGen C0339535, MONDO:0016293, HP:0007642.
Optic atrophy. Identifiers: MedGen C0029124, MONDO:0003608, HP:0000648.

Allele frequency attached by ClinVar (database versions not stated): gnomAD exomes below 0.00001 and 0.00001; ExAC 0.00001.
gnomAD v4.1: 1 of 1,211,159 alleles (0.000083%); highest among the groups gnomAD compares: Non-Finnish European, 0.00011%; no homozygotes.

Submissions (6):

GeneDx
Classification: Pathogenic. Last evaluated: 2025-07-15. Review status: criteria provided, single submitter. Criteria: GeneDx Variant Classification Process June 2021. Collection method: clinical testing. Allele origin: germline. Affected: yes.
Comment: Nonsense variant predicted to result in protein truncation or nonsense mediated decay in a gene for which loss of function is a known mechanism of disease; Also known as c.4051C>T (p.Arg1351*); This variant is associated with the following publications: (PMID: 25307992, 30825406, 38474172, 36284460, 38219857, 31456290, 33749171)

Institute of Human Genetics, Univ. Regensburg, Univ. Regensburg
Classification: Pathogenic for Optic atrophy. Last evaluated: 2023-01-01. Review status: criteria provided, single submitter. Criteria: ACMG Guidelines, 2015. Collection method: clinical testing. Allele origin: germline. Affected: yes.

Labcorp Genetics (formerly Invitae), Labcorp
Classification: Pathogenic. Last evaluated: 2022-03-10. Review status: criteria provided, single submitter. Criteria: Invitae Variant Classification Sherloc (09022015). Collection method: clinical testing. Allele origin: germline.
Comment: This premature translational stop signal has been observed in individual(s) with congenital stationary night blindness (PMID: 25307992, 30825406). This variant is not present in population databases (gnomAD no frequency). This sequence change creates a premature translational stop signal (p.Arg1362*) in the CACNA1F gene. It is expected to result in an absent or disrupted protein product. Loss-of-function variants in CACNA1F are known to be pathogenic (PMID: 9662399, 11281458, 17525176, 22194652, 24124559, 26992781). For these reasons, this variant has been classified as Pathogenic. ClinVar contains an entry for this variant (Variation ID: 812245). This variant is also known as c.4051C>T (p.Arg1351*).

Blueprint Genetics
Classification: Pathogenic for CACNA1F-related disorders. Last evaluated: 2021-12-22. Review status: criteria provided, single submitter. Criteria: ACMG Guidelines, 2015. Collection method: clinical testing. Allele origin: germline. Affected: yes. Observed: 3 variant alleles.

Laboratory of Medical Genetics, National & Kapodistrian University of Athens
Classification: Pathogenic for X-linked cone-rod dystrophy 3. Last evaluated: 2021-12-15. Review status: criteria provided, single submitter. Criteria: ACMG Guidelines, 2015. Collection method: clinical testing. Allele origin: germline. Affected: yes.
Comment: PVS1, PM2, PP3, PP5

Sharon lab, Hadassah-Hebrew University Medical Center
Classification: Pathogenic for Congenital stationary night blindness. Last evaluated: 2019-06-23. Review status: no assertion criteria provided. Collection method: research. Allele origin: inherited. Affected: yes. Not counted in ClinVar's aggregate classification.

Literature cited by the submitters: PubMed 25307992 (cited by Institute of Human Genetics, Univ. Regensburg, Univ. Regensburg and Labcorp Genetics (formerly Invitae), Labcorp); PubMed 31456290 (cited by Institute of Human Genetics, Univ. Regensburg, Univ. Regensburg); PubMed 33749171 (cited by Institute of Human Genetics, Univ. Regensburg, Univ. Regensburg); PubMed 36284460 (cited by Institute of Human Genetics, Univ. Regensburg, Univ. Regensburg); PubMed 30825406 (cited by Labcorp Genetics (formerly Invitae), Labcorp); PubMed 9662399 (cited by Labcorp Genetics (formerly Invitae), Labcorp); PubMed 11281458 (cited by Labcorp Genetics (formerly Invitae), Labcorp); PubMed 17525176 (cited by Labcorp Genetics (formerly Invitae), Labcorp); PubMed 22194652 (cited by Labcorp Genetics (formerly Invitae), Labcorp); PubMed 24124559 (cited by Labcorp Genetics (formerly Invitae), Labcorp); PubMed 26992781 (cited by Labcorp Genetics (formerly Invitae), Labcorp).